The following is an entry in ClinVar:

ClinVar aggregate classification (germline): Conflicting classifications of pathogenicity. Review status: criteria provided, conflicting classifications (1 of 4 stars). 2 submissions from 2 submitters: Pathogenic (1); Uncertain significance (1). Last evaluated 2025-09-10.

Conditions:
Mitochondrial disease. Also called: Mitochondrial disorder; Mitochondrial disorders. Identifiers: Orphanet 68380, MedGen C0751651, MeSH D028361, MONDO:0044970.

Allele frequency attached by ClinVar (database versions not stated): ExAC below 0.00001; gnomAD exomes below 0.00001.

Submissions (2):

GeneDx
Classification: Pathogenic. Last evaluated: 2025-09-10. Review status: criteria provided, single submitter. Criteria: GeneDx Variant Classification Process June 2021. Collection method: clinical testing. Allele origin: germline. Affected: yes.
Comment: Published functional studies demonstrate abnormal splicing (PMID: 33097395); Not observed at significant frequency in large population cohorts (gnomAD); In silico analysis supports a deleterious effect on splicing; This variant is associated with the following publications: (PMID: 33097395)

Department of Pathology and Laboratory Medicine, Sinai Health System
Classification: Uncertain significance for mitochondrial disease. Last evaluated: 2021-07-30. Review status: criteria provided, single submitter. Criteria: ACMG Guidelines, 2015. Collection method: research. Allele origin: germline.

NM_152416.4(NDUFAF6):c.420+2dup

Gene: NDUFAF6 (NADH:ubiquinone oxidoreductase complex assembly factor 6; plus strand). Cytogenetic location: 8q22.1.
Variant type: Duplication.
Coding change: c.420+2dup on transcript NM_152416.4 (MANE Select); the canonical splice donor site of the intron after coding-DNA position 420, one base duplicated (T; older notation c.420+2dupT).
Molecular consequence: splice donor variant.
Genome position (GRCh38, 1-based): chr8:95,035,578, T duplicated. VCF-style (leftmost placement, unchanged base first): chr8-95035577-G-GT. GRCh37 (hg19) VCF-style: chr8-96047805-G-GT.
Other names: c.87+2dup (NM_001354534.2, NM_001354518.2, NM_001354519.2 and 1 more transcripts); c.144+2dup (NM_001354514.2, NM_001354515.2, NM_001330582.2 and 1 more transcripts); c.-230+2dup (NM_001354525.2, NM_001354524.2, NM_001354528.2 and 1 more transcripts); c.-161+2dup (NM_001354522.2, NM_001354532.2, NM_001354530.2 and 1 more transcripts); c.264+2dup (NM_001354516.2); c.-259+2dup (NM_001354527.2, NM_001354531.2).
Identifiers: ClinVar variation 214214 (VCV000214214.5), dbSNP rs1554669910, ClinGen allele CA323341.